The following is an entry in ClinVar:

ClinVar aggregate classification (germline): Benign/Likely benign. Review status: criteria provided, multiple submitters, no conflicts (2 of 4 stars). 3 submissions from 3 submitters: Benign (1); Likely benign (2). Last evaluated 2024-03-27.

Conditions:
Hereditary cancer-predisposing syndrome. Also called: Tumor predisposition; Hereditary Cancer Syndrome; Hereditary neoplastic syndrome; Neoplastic Syndromes, Hereditary. Identifiers: Orphanet 140162, MedGen C0027672, MeSH D009386, MONDO:0015356.
Familial adenomatous polyposis 1 (FAP1). Also called: FAMILIAL ADENOMATOUS POLYPOSIS 1, ATTENUATED; POLYPOSIS, ADENOMATOUS INTESTINAL. Identifiers: MedGen C2713442, MONDO:0021056, OMIM 175100. Disease mechanism: loss of function.

Submissions (3):

Myriad Genetics, Inc.
Classification: Benign for Familial adenomatous polyposis 1. Last evaluated: 2024-03-27. Review status: criteria provided, single submitter. Criteria: Myriad Autosomal Dominant, Autosomal Recessive and X-Linked Classification Criteria (2023). Collection method: clinical testing. Allele origin: unknown.
Comment: This variant is considered benign. This variant is a silent/synonymous amino acid change and it is not expected to impact splicing.

Ambry Genetics
Classification: Likely benign for Hereditary cancer-predisposing syndrome. Last evaluated: 2022-09-20. Review status: criteria provided, single submitter. Criteria: Ambry Variant Classification Scheme 2023. Collection method: clinical testing. Allele origin: germline.

Labcorp Genetics (formerly Invitae), Labcorp
Classification: Likely benign for Familial adenomatous polyposis 1. Last evaluated: 2017-12-28. Review status: criteria provided, single submitter. Criteria: Invitae Variant Classification Sherloc (09022015). Collection method: clinical testing. Allele origin: germline.

NM_000038.6(APC):c.4518G>T (p.Leu1506=)

Gene: APC (APC regulator of Wnt signaling pathway; plus strand). Cytogenetic location: 5q22.2.
Variant type: single nucleotide variant.
Coding change: c.4518G>T on transcript NM_000038.6 (MANE Select); coding-DNA position 4518, G replaced by T.
Protein change: p.Leu1506=; no amino-acid change (leucine 1506 retained).
Molecular consequence: synonymous variant.
Genome position (GRCh38, 1-based): chr5:112,840,112, G>T. VCF-style: chr5-112840112-G-T. GRCh37 (hg19) VCF-style: chr5-112175809-G-T.
Other names: c.4518G>T, p.Leu1506= (NM_001127510.3, NM_001354895.2); c.4464G>T, p.Leu1488= (NM_001127511.3); c.4572G>T, p.Leu1524= (NM_001354896.2); c.4548G>T, p.Leu1516= (NM_001354897.2); c.4443G>T, p.Leu1481= (NM_001354898.2); c.4434G>T, p.Leu1478= (NM_001354899.2); c.4395G>T, p.Leu1465= (NM_001354900.2); c.4341G>T, p.Leu1447= (NM_001354901.2); and 5 more.
Identifiers: ClinVar variation 537583 (VCV000537583.12), dbSNP rs1554085932, ClinGen allele CA446206563.
Genomic context (GRCh38, chr5:112,840,112, plus strand): 5'-TACTTTATTACATTTTGCCACGGAAAGTACTCCAGATGGATTTTCTTGTTCATCCAGCCT[G>T]AGTGCTCTGAGCCTCGATGAGCCATTTATACAGAAAGATGTGGAATTAAGAATAATGCCT-3'
Protein context (NP_000029.2, residues 1496-1516): TPDGFSCSSS[Leu1506=]SALSLDEPFI